The following is an entry in ClinVar:

ClinVar aggregate classification (germline): Uncertain significance (1 of 4 stars; one submission).

Allele frequency attached by ClinVar (database versions not stated): gnomAD exomes 0.00001; ExAC 0.00002; TOPMed 0.00009; gnomAD 0.00013; ESP Exome Variant Server 0.00023.
gnomAD v4.1: 32 of 1,600,798 alleles (0.002%); highest among the groups gnomAD compares: African/African-American, 0.043%; no homozygotes.

Submission:

Labcorp Genetics (formerly Invitae), Labcorp
Classification: Uncertain significance. Last evaluated: 2022-08-10. Review status: criteria provided, single submitter. Criteria: Invitae Variant Classification Sherloc (09022015). Collection method: clinical testing. Allele origin: germline.
Comment: In summary, the available evidence is currently insufficient to determine the role of this variant in disease. Therefore, it has been classified as a Variant of Uncertain Significance. Algorithms developed to predict the effect of missense changes on protein structure and function (SIFT, PolyPhen-2, Align-GVGD) all suggest that this variant is likely to be tolerated. This variant has not been reported in the literature in individuals affected with VPS13C-related conditions. This variant is present in population databases (rs143080568, gnomAD 0.04%). This sequence change replaces valine, which is neutral and non-polar, with alanine, which is neutral and non-polar, at codon 537 of the VPS13C protein (p.Val537Ala).

NM_020821.3(VPS13C):c.1610T>C (p.Val537Ala)

Gene: VPS13C (vacuolar protein sorting 13 homolog C; minus strand). Cytogenetic location: 15q22.2.
Variant type: single nucleotide variant.
Coding change: c.1610T>C on transcript NM_020821.3 (MANE Select); coding-DNA position 1610, T replaced by C.
Protein change: p.Val537Ala; replaces valine 537 with alanine.
Molecular consequence: missense variant.
Genome position (GRCh38, 1-based): chr15:61,984,968, A>G on the plus strand (T>C on the coding strand, the complement: VPS13C is on the minus strand). VCF-style: chr15-61984968-A-G. GRCh37 (hg19) VCF-style: chr15-62277167-A-G.
Other names: c.1610T>C, p.Val537Ala (NM_001018088.3); c.1481T>C, p.Val494Ala (NM_017684.5, NM_018080.4); short protein forms V494A, V537A.
Identifiers: ClinVar variation 2172537 (VCV002172537.4), dbSNP rs143080568, ClinGen allele CA7596981.